The following is an entry in ClinVar:

NM_002386.4(MC1R):c.11A>T (p.Gln4Leu)

Gene: MC1R (melanocortin 1 receptor; plus strand). Cytogenetic location: 16q24.3.
Variant type: single nucleotide variant.
Coding change: c.11A>T on transcript NM_002386.4 (MANE Select); coding-DNA position 11, A replaced by T.
Protein change: p.Gln4Leu; replaces glutamine 4 with leucine.
Molecular consequence: missense variant.
Genome position (GRCh38, 1-based): chr16:89,919,269, A>T. VCF-style: chr16-89919269-A-T. GRCh37 (hg19) VCF-style: chr16-89985677-A-T.
Other names: short protein forms Q4L.
Identifiers: ClinVar variation 1904024 (VCV001904024.5), dbSNP rs2544608518, ClinGen allele CA397458904.
Genomic context (GRCh38, chr16:89,919,269, plus strand): 5'-TGGGGACCTGGAGGCCTCCAACGACTCCTTCCTGCTTCCTGGACAGGACTATGGCTGTGC[A>T]GGGATCCCAGAGAAGACTTCTGGGCTCCCTCAACTCCACCCCCACAGCCATCCCCCAGCT-3'
Protein context (NP_002377.4, residues 1-14): MAV[Gln4Leu]GSQRRLLGSL

ClinVar aggregate classification (germline): Uncertain significance (1 of 4 stars; one submission).

Conditions:
Melanoma, cutaneous malignant, susceptibility to, 5. Also called: Cutaneous malignant melanoma 5. Identifiers: Orphanet 618, MedGen C2751295, MONDO:0013133, OMIM 613099.

Submission:

Labcorp Genetics (formerly Invitae), Labcorp
Classification: Uncertain significance for Melanoma, cutaneous malignant, susceptibility to, 5. Last evaluated: 2022-08-28. Review status: criteria provided, single submitter. Criteria: Invitae Variant Classification Sherloc (09022015). Collection method: clinical testing. Allele origin: germline.
Comment: In summary, the available evidence is currently insufficient to determine the role of this variant in disease. Therefore, it has been classified as a Variant of Uncertain Significance. Algorithms developed to predict the effect of missense changes on protein structure and function (SIFT, PolyPhen-2, Align-GVGD) all suggest that this variant is likely to be tolerated. This variant has not been reported in the literature in individuals affected with MC1R-related conditions. This variant is not present in population databases (gnomAD no frequency). This sequence change replaces glutamine, which is neutral and polar, with leucine, which is neutral and non-polar, at codon 4 of the MC1R protein (p.Gln4Leu).